The following is an entry in ClinVar:

ClinVar aggregate classification (germline): Uncertain significance (1 of 4 stars; one submission).

Submission:

GeneDx
Classification: Uncertain significance. Last evaluated: 2025-03-17. Review status: criteria provided, single submitter. Criteria: GeneDx Variant Classification Process June 2021. Collection method: clinical testing. Allele origin: germline.
Comment: Not observed at significant frequency in large population cohorts (gnomAD); Frameshift variant predicted to result in protein truncation or nonsense mediated decay in a gene or region of a gene for which loss of function is not a well-established mechanism of disease; Has not been previously published as pathogenic or benign to our knowledge

NM_005027.4(PIK3R2):c.241_263del (p.Val81fs)

Gene: PIK3R2 (phosphoinositide-3-kinase regulatory subunit 2; plus strand). Cytogenetic location: 19p13.11.
Variant type: Deletion.
Coding change: c.241_263del on transcript NM_005027.4 (MANE Select); coding-DNA positions 241 to 263, 23 bases deleted (GTGGCCCTGGCCCGGCCCGGCCC).
Protein change: p.Val81fs; shifts the reading frame from valine 81.
Molecular consequence: frameshift variant. On other transcripts: non-coding transcript variant (2).
Genome position (GRCh38, 1-based): chr19:18,156,120-18,156,142, GTGGCCCTGGCCCGGCCCGGCCC deleted; deleting any 23 consecutive bases within chr19:18,156,115-18,156,142 gives the same sequence; the c. name uses the placement nearest the transcript's 3' end. VCF-style (leftmost placement, unchanged base first): chr19-18156114-GGGCCCGTGGCCCTGGCCCGGCCC-G. GRCh37 (hg19) VCF-style: chr19-18266924-GGGCCCGTGGCCCTGGCCCGGCCC-G.
Other names: short protein forms V81fs.
Identifiers: ClinVar variation 3369663 (VCV003369663.2).
Genomic context (GRCh38, chr19:18,156,114, plus strand): 5'-GGCCTCAACGAGCGCACACGGCAGCGAGGTGACTTCCCTGGCACCTATGTGGAGTTCCTG[GGGCCCGTGGCCCTGGCCCGGCCC>G]GGCCCTCGCCCACGGGGCCCCCGCCCACTGCCCGCCAGGCCCCGTGATGGGGCCCCTGAG-3'